The following is an entry in ClinVar:

ClinVar aggregate classification (germline): Uncertain significance (1 of 4 stars; one submission).

Conditions:
Meckel-Gruber syndrome. Also called: DYSENCEPHALIA SPLANCHNOCYSTICA; GRUBER SYNDROME; Dysencephalia splachnocystica. Identifiers: Orphanet 564, MedGen C0265215, MONDO:0018921.
Joubert syndrome. Also called: CEREBELLOPARENCHYMAL DISORDER IV; JOUBERT-BOLTSHAUSER SYNDROME; Familial aplasia of the vermis. Identifiers: Orphanet 475, MedGen C5979921, MONDO:0018772.

Allele frequency attached by ClinVar (database versions not stated): gnomAD exomes below 0.00001; TOPMed below 0.00001; ExAC 0.00001.
gnomAD v4.1: 1 of 1,614,180 alleles (0.000062%); highest among the groups gnomAD compares: Non-Finnish European, 0.000085%; no homozygotes.

Submission:

Labcorp Genetics (formerly Invitae), Labcorp
Classification: Uncertain significance for Joubert syndrome; Meckel-Gruber syndrome. Last evaluated: 2022-05-17. Review status: criteria provided, single submitter. Criteria: Invitae Variant Classification Sherloc (09022015). Collection method: clinical testing. Allele origin: germline.
Comment: In summary, the available evidence is currently insufficient to determine the role of this variant in disease. Therefore, it has been classified as a Variant of Uncertain Significance. Advanced modeling of protein sequence and biophysical properties (such as structural, functional, and spatial information, amino acid conservation, physicochemical variation, residue mobility, and thermodynamic stability) performed at Invitae indicates that this missense variant is expected to disrupt MKS1 protein function. This variant has not been reported in the literature in individuals affected with MKS1-related conditions. This variant is present in population databases (rs768515749, gnomAD 0.0009%). This sequence change replaces glutamic acid, which is acidic and polar, with glycine, which is neutral and non-polar, at codon 326 of the MKS1 protein (p.Glu326Gly).

NM_017777.4(MKS1):c.977A>G (p.Glu326Gly)

Gene: MKS1 (MKS transition zone complex subunit 1; minus strand). Cytogenetic location: 17q22.
Variant type: single nucleotide variant.
Coding change: c.977A>G on transcript NM_017777.4 (MANE Select); coding-DNA position 977, A replaced by G.
Protein change: p.Glu326Gly; replaces glutamic acid 326 with glycine.
Molecular consequence: missense variant.
Genome position (GRCh38, 1-based): chr17:58,210,706, T>C on the plus strand (A>G on the coding strand, the complement: MKS1 is on the minus strand). VCF-style: chr17-58210706-T-C. GRCh37 (hg19) VCF-style: chr17-56288067-T-C.
Other names: c.368A>G, p.Glu123Gly (NM_001321268.2); c.977A>G, p.Glu326Gly (NM_001321269.2, NM_001330397.2, NM_001411113.1); short protein forms E123G, E326G.
Identifiers: ClinVar variation 1899389 (VCV001899389.5), dbSNP rs768515749, ClinGen allele CA8669316.